The following is an entry in ClinVar:

ClinVar aggregate classification (germline): Uncertain significance (1 of 4 stars; one submission).

Conditions:
Candidiasis, familial, 9 (CANDF9). Identifiers: Orphanet 1334, MedGen C4225324, MONDO:0014642, OMIM 616445.

Submission:

Labcorp Genetics (formerly Invitae), Labcorp
Classification: Uncertain significance for Candidiasis, familial, 9. Last evaluated: 2022-07-05. Review status: criteria provided, single submitter. Criteria: Invitae Variant Classification Sherloc (09022015). Collection method: clinical testing. Allele origin: germline.
Comment: In summary, the available evidence is currently insufficient to determine the role of this variant in disease. Therefore, it has been classified as a Variant of Uncertain Significance. Algorithms developed to predict the effect of sequence changes on RNA splicing suggest that this variant may disrupt the consensus splice site. ClinVar contains an entry for this variant (Variation ID: 1500203). This variant has not been reported in the literature in individuals affected with IL17RC-related conditions. This variant is not present in population databases (gnomAD no frequency). This sequence change affects a donor splice site in intron 2 of the IL17RC gene. It is expected to disrupt RNA splicing. Variants that disrupt the donor or acceptor splice site typically lead to a loss of protein function (PMID: 16199547), however the current clinical and genetic evidence is not sufficient to establish whether loss-of-function variants in IL17RC cause disease.

Literature cited by the submitters: PubMed 16199547.

NM_153460.4(IL17RC):c.127+1G>A

Gene: IL17RC (interleukin 17 receptor C; plus strand). Cytogenetic location: 3p25.3.
Variant type: single nucleotide variant.
Coding change: c.127+1G>A on transcript NM_153460.4 (MANE Select); the canonical splice donor site of the intron after coding-DNA position 127, G replaced by A.
Molecular consequence: splice donor variant.
Genome position (GRCh38, 1-based): chr3:9,917,735, G>A. VCF-style: chr3-9917735-G-A. GRCh37 (hg19) VCF-style: chr3-9959419-G-A.
Other names: c.340+1G>A (NM_153461.4); c.127+1G>A (NM_001203263.2, NM_001203264.2, NM_001367278.1 and 5 more transcripts).
Identifiers: ClinVar variation 1500203 (VCV001500203.8), dbSNP rs2125117879, ClinGen allele CA351754605.
Genomic context (GRCh38, chr3:9,917,735, plus strand): 5'-GGGGCACAAATTCTGACTCTCCTTTCTTTCCTTCCCAGGGCCTCTCCTGCCGCCTCTGGG[G>A]TAAGTATCCCTACTTTTAAAAAGAATTTCCCAGGTTGGCCGAAGGGAGCAGAGCTGTCCC-3'